The following is an entry in ClinVar:

ClinVar aggregate classification (germline): Uncertain significance (1 of 4 stars; one submission).

Conditions:
Joubert syndrome 15 (JBTS15). Identifiers: Orphanet 475, MedGen C3280897, MONDO:0013763, OMIM 614464.

Submission:

Labcorp Genetics (formerly Invitae), Labcorp
Classification: Uncertain significance for Joubert syndrome 15. Last evaluated: 2023-03-10. Review status: criteria provided, single submitter. Criteria: Invitae Variant Classification Sherloc (09022015). Collection method: clinical testing. Allele origin: germline.
Comment: This sequence change replaces lysine, which is basic and polar, with glutamic acid, which is acidic and polar, at codon 38 of the CEP41 protein (p.Lys38Glu). This variant is not present in population databases (gnomAD no frequency). This variant has not been reported in the literature in individuals affected with CEP41-related conditions. ClinVar contains an entry for this variant (Variation ID: 960242). Advanced modeling of protein sequence and biophysical properties (such as structural, functional, and spatial information, amino acid conservation, physicochemical variation, residue mobility, and thermodynamic stability) performed at Invitae indicates that this missense variant is expected to disrupt CEP41 protein function. In summary, the available evidence is currently insufficient to determine the role of this variant in disease. Therefore, it has been classified as a Variant of Uncertain Significance.

NM_018718.3(CEP41):c.112A>G (p.Lys38Glu)

Gene: CEP41 (centrosomal protein 41; minus strand). Cytogenetic location: 7q32.2.
Variant type: single nucleotide variant.
Coding change: c.112A>G on transcript NM_018718.3 (MANE Select); coding-DNA position 112, A replaced by G.
Protein change: p.Lys38Glu; replaces lysine 38 with glutamic acid.
Molecular consequence: missense variant. On other transcripts: non-coding transcript variant (1), intron variant (1).
Genome position (GRCh38, 1-based): chr7:130,416,952, T>C on the plus strand (A>G on the coding strand, the complement: CEP41 is on the minus strand). VCF-style: chr7-130416952-T-C. GRCh37 (hg19) VCF-style: chr7-130056793-T-C.
Other names: c.112A>G, p.Lys38Glu (NM_001257158.2); c.98-4712A>G (NM_001257159.2); short protein forms K38E.
Identifiers: ClinVar variation 960242 (VCV000960242.9), dbSNP rs1797355895, ClinGen allele CA369284584.
Genomic context (GRCh38, chr7:130,416,952, plus strand): 5'-TCCCAAACCATCAAGAGTGTTACTTACTTTTCTTAATCTCTTCGAGCTTCTCAGTATATT[T>C]AGTCATACTGTTACCTAAAAAGAAAATAAGGGGTTTTAGATATACTTTAAATGGAAGCAA-3'
Protein context (NP_061188.1, residues 28-48): SRLDTGNSMT[Lys38Glu]YTEKLEEIKK